The following is an entry in ClinVar:

NM_002317.7(LOX):c.338C>T (p.Thr113Ile)

Genes: LOX (lysyl oxidase; minus strand), SRFBP1 (serum response factor binding protein 1; plus strand). Cytogenetic location: 5q23.1.
Variant type: single nucleotide variant.
Coding change: c.338C>T on transcript NM_002317.7 (MANE Select); coding-DNA position 338, C replaced by T.
Protein change: p.Thr113Ile; replaces threonine 113 with isoleucine.
Molecular consequence: missense variant.
Genome position (GRCh38, 1-based): chr5:122,077,648, G>A on the plus strand (C>T on the coding strand, the complement: LOX is on the minus strand). VCF-style: chr5-122077648-G-A. GRCh37 (hg19) VCF-style: chr5-121413343-G-A.
Other names: short protein forms T113I.
Identifiers: ClinVar variation 1302490 (VCV001302490.5), dbSNP rs1561421373, ClinGen allele CA360876814.
Genomic context (GRCh38, chr5:122,077,648, plus strand): 5'-CTAGATGTCGAGTAGCCAGCTTGGAACCAGTGACGGGCGGTGGGCCTGGGGCGGCCAGCG[G>A]TGACTCCAGATGAGCCGGCCGTCCGCGTTCGCGCCGCGGCGGTGCGGTTGTCGCGGATCA-3'
Protein context (NP_002308.2, residues 103-123): RTRTAGSSGV[Thr113Ile]AGRPRPTARH

ClinVar aggregate classification (germline): Uncertain significance. Review status: criteria provided, multiple submitters, no conflicts (2 of 4 stars). 2 submissions from 2 submitters: Uncertain significance (2). Last evaluated 2023-08-14.

Allele frequency attached by ClinVar (database versions not stated): gnomAD exomes below 0.00001.
gnomAD v4.1: 5 of 1,609,942 alleles (0.00031%); highest among the groups gnomAD compares: Middle Eastern, 0.05%; no homozygotes.

Submissions (2):

Labcorp Genetics (formerly Invitae), Labcorp
Classification: Uncertain significance. Last evaluated: 2023-08-14. Review status: criteria provided, single submitter. Criteria: Invitae Variant Classification Sherloc (09022015). Collection method: clinical testing. Allele origin: germline.
Comment: Advanced modeling of protein sequence and biophysical properties (such as structural, functional, and spatial information, amino acid conservation, physicochemical variation, residue mobility, and thermodynamic stability) performed at Invitae indicates that this missense variant is not expected to disrupt LOX protein function. In summary, the available evidence is currently insufficient to determine the role of this variant in disease. Therefore, it has been classified as a Variant of Uncertain Significance. ClinVar contains an entry for this variant (Variation ID: 1302490). This variant has not been reported in the literature in individuals affected with LOX-related conditions. This variant is not present in population databases (gnomAD no frequency). This sequence change replaces threonine, which is neutral and polar, with isoleucine, which is neutral and non-polar, at codon 113 of the LOX protein (p.Thr113Ile).

GeneDx
Classification: Uncertain significance. Last evaluated: 2019-06-05. Review status: criteria provided, single submitter. Criteria: GeneDx Variant Classification Process June 2021. Collection method: clinical testing. Allele origin: germline. Affected: yes.
Comment: Has not been previously published as pathogenic or benign to our knowledge; Not observed in large population cohorts (Lek et al., 2016); In silico analysis, which includes protein predictors and evolutionary conservation, supports that this variant does not alter protein structure/function